The following is an entry in ClinVar:

ClinVar aggregate classification (germline): Uncertain significance (1 of 4 stars; one submission).

Conditions:
Sulfite oxidase deficiency. Also called: Isolated sulfite oxidase deficiency. Identifiers: Orphanet 833, Orphanet 99731, MedGen C0268624, MONDO:0010089, OMIM 272300, HP:0003643.

Allele frequency attached by ClinVar (database versions not stated): TOPMed below 0.00001; gnomAD 0.00001.
gnomAD v4.1: 1 of 1,613,986 alleles (0.000062%); highest among the groups gnomAD compares: Non-Finnish European, 0.000085%; no homozygotes.

Submission:

Labcorp Genetics (formerly Invitae), Labcorp
Classification: Uncertain significance for Sulfite oxidase deficiency. Last evaluated: 2022-06-13. Review status: criteria provided, single submitter. Criteria: Invitae Variant Classification Sherloc (09022015). Collection method: clinical testing. Allele origin: germline.
Comment: This sequence change replaces glutamine, which is neutral and polar, with histidine, which is basic and polar, at codon 79 of the SUOX protein (p.Gln79His). This variant is not present in population databases (gnomAD no frequency). This variant has not been reported in the literature in individuals affected with SUOX-related conditions. Algorithms developed to predict the effect of missense changes on protein structure and function are either unavailable or do not agree on the potential impact of this missense change (SIFT: "Deleterious"; PolyPhen-2: "Benign"; Align-GVGD: "Class C0"). In summary, the available evidence is currently insufficient to determine the role of this variant in disease. Therefore, it has been classified as a Variant of Uncertain Significance.

NM_001032386.2(SUOX):c.237G>C (p.Gln79His)

Gene: SUOX (sulfite oxidase; plus strand). Cytogenetic location: 12q13.2.
Variant type: single nucleotide variant.
Coding change: c.237G>C on transcript NM_001032386.2 (MANE Select); coding-DNA position 237, G replaced by C.
Protein change: p.Gln79His; replaces glutamine 79 with histidine.
Molecular consequence: missense variant.
Genome position (GRCh38, 1-based): chr12:56,003,626, G>C. VCF-style: chr12-56003626-G-C. GRCh37 (hg19) VCF-style: chr12-56397410-G-C.
Other names: c.237G>C, p.Gln79His (NM_000456.3, NM_001032387.2); short protein forms Q79H.
Identifiers: ClinVar variation 1399892 (VCV001399892.8), dbSNP rs988948495, ClinGen allele CA237605105.